The following is an entry in ClinVar:

ClinVar aggregate classification (germline): Likely benign (0 of 4 stars; one submission).

Conditions:
NBEAL2-related disorder. Also called: NBEAL2-related condition.

Allele frequency attached by ClinVar (database versions not stated): gnomAD exomes 0.00003; ExAC 0.00005; gnomAD 0.00015; 1000 Genomes Project 30x 0.00016; 1000 Genomes Project 0.00020; TOPMed 0.00028; ESP Exome Variant Server 0.00031.
gnomAD v4.1: 80 of 1,612,326 alleles (0.005%); highest among the groups gnomAD compares: African/African-American, 0.069%; no homozygotes.

Submission:

PreventionGenetics, part of Exact Sciences
Classification: Likely benign for NBEAL2-related condition. Last evaluated: 2019-03-21. Review status: no assertion criteria provided. Collection method: clinical testing. Allele origin: germline.
Comment: This variant is classified as likely benign based on ACMG/AMP sequence variant interpretation guidelines (Richards et al. 2015 PMID: 25741868, with internal and published modifications).

NM_015175.3(NBEAL2):c.4425G>C (p.Val1475=)

Gene: NBEAL2 (neurobeachin like 2; plus strand). Cytogenetic location: 3p21.31.
Variant type: single nucleotide variant.
Coding change: c.4425G>C on transcript NM_015175.3 (MANE Select); coding-DNA position 4425, G replaced by C.
Protein change: p.Val1475=; no amino-acid change (valine 1475 retained).
Molecular consequence: synonymous variant.
Genome position (GRCh38, 1-based): chr3:47,001,120, G>C. VCF-style: chr3-47001120-G-C. GRCh37 (hg19) VCF-style: chr3-47042610-G-C.
Other names: c.4323G>C, p.Val1441= (NM_001365116.2).
Identifiers: ClinVar variation 3037064 (VCV003037064.2), dbSNP rs370011168, ClinGen allele CA2361236.
Genomic context (GRCh38, chr3:47,001,120, plus strand): 5'-GCGTGGCGTGGAAGGCAGCGATGAGGCTGCCTGGCGGGAGCGTGGCCAGGTTTTCTCAGT[G>C]CTCACCCAGCTGGGGGCCTCAGCCACACTTGTGCGCCCACCAGACTGCATCAAGCGCAGG-3'
Protein context (NP_055990.1, residues 1465-1485): AWRERGQVFS[Val1475=]LTQLGASATL